The following is an entry in ClinVar:

ClinVar aggregate classification (germline): Likely benign (1 of 4 stars; one submission).

gnomAD v4.1: 23 of 1,487,432 alleles (0.0015%); highest among the groups gnomAD compares: Middle Eastern, 0.018%; 1 homozygote.

Submission:

Mayo Clinic Laboratories, Mayo Clinic
Classification: Likely benign. Last evaluated: 2025-03-27. Review status: criteria provided, single submitter. Criteria: ACMG Guidelines, 2015. Collection method: clinical testing. Allele origin: germline. Observed: 1 variant allele.
Comment: BP4, BP7

NM_173689.7(CRB2):c.3016C>T (p.Leu1006=)

Gene: CRB2 (crumbs cell polarity complex component 2; plus strand). Cytogenetic location: 9q33.3.
Variant type: single nucleotide variant.
Coding change: c.3016C>T on transcript NM_173689.7 (MANE Select); coding-DNA position 3016, C replaced by T.
Protein change: p.Leu1006=; no amino-acid change (leucine 1006 retained).
Molecular consequence: synonymous variant. On other transcripts: non-coding transcript variant (1).
Genome position (GRCh38, 1-based): chr9:123,373,547, C>T. VCF-style: chr9-123373547-C-T. GRCh37 (hg19) VCF-style: chr9-126135826-C-T.
Other names: p.Leu1006=.
Identifiers: ClinVar variation 4683429 (VCV004683429.1).
Genomic context (GRCh38, chr9:123,373,547, plus strand): 5'-CTGCGCGGCCTGGCCAGTGACCTGGGCTTCCTGCAGGGCCCGGGTGCTGTGCGCATCCTG[C>T]TGGCTGAGAACTTCACCGGCTGCTTGGGCCGCGTGGCGCTGGGCGGCCTGCCCCTGCCCT-3'
Protein context (NP_775960.4, residues 996-1016): LQGPGAVRIL[Leu1006=]AENFTGCLGR